The following is an entry in ClinVar:

ClinVar aggregate classification (germline): Uncertain significance (1 of 4 stars; one submission).

Conditions:
Focal segmental glomerulosclerosis 7 (FSGS7). Identifiers: Orphanet 656, MedGen C4014925, MONDO:0014451, OMIM 616002.
Renal coloboma syndrome (PAPRS). Also called: PAPILLORENAL SYNDROME; COLOBOMA OF OPTIC NERVE WITH RENAL DISEASE; OPTIC COLOBOMA, VESICOURETERAL REFLUX, AND RENAL ANOMALIES; OPTIC NERVE COLOBOMA WITH RENAL DISEASE; RENAL-COLOBOMA SYNDROME WITH MACULAR ABNORMALITIES; PAPILLORENAL SYNDROME WITH MILD OCULAR ABNORMALITIES. Identifiers: Orphanet 1475, MedGen C1852759, MONDO:0007352, OMIM 120330.

gnomAD v4.1: 1 of 1,611,670 alleles (0.000062%); highest among the groups gnomAD compares: Non-Finnish European, 0.000085%; no homozygotes.

Submission:

Labcorp Genetics (formerly Invitae), Labcorp
Classification: Uncertain significance for Renal coloboma syndrome; Focal segmental glomerulosclerosis 7. Last evaluated: 2025-11-18. Review status: criteria provided, single submitter. Criteria: Invitae Variant Classification Sherloc (09022015). Collection method: clinical testing. Allele origin: germline.
Comment: This sequence change replaces proline, which is neutral and non-polar, with histidine, which is basic and polar, at codon 324 of the PAX2 protein (p.Pro324His). This variant is present in population databases (no rsID available, gnomAD 0.0009%). This variant has not been reported in the literature in individuals affected with PAX2-related conditions. An algorithm developed to predict the effect of missense changes on protein structure and function (PolyPhen-2) suggests that this variant is likely to be disruptive. In summary, the available evidence is currently insufficient to determine the role of this variant in disease. Therefore, it has been classified as a Variant of Uncertain Significance.

NM_000278.5(PAX2):c.971C>A (p.Pro324His)

Gene: PAX2 (paired box 2; plus strand). Cytogenetic location: 10q24.31.
Variant type: single nucleotide variant.
Coding change: c.971C>A on transcript NM_000278.5 (MANE Select); coding-DNA position 971, C replaced by A.
Protein change: p.Pro324His; replaces proline 324 with histidine.
Molecular consequence: missense variant.
Genome position (GRCh38, 1-based): chr10:100,824,699, C>A. VCF-style: chr10-100824699-C-A. GRCh37 (hg19) VCF-style: chr10-102584456-C-A.
Other names: c.1064C>A, p.Pro355His (NM_001304569.2); c.1040C>A, p.Pro347His (NM_003987.5, NM_003990.5); c.971C>A, p.Pro324His (NM_003988.5, NM_003989.5); short protein forms P355H, P347H, P324H.
Identifiers: ClinVar variation 4785023 (VCV004785023.1).
Genomic context (GRCh38, chr10:100,824,699, plus strand): 5'-TTTTTCCAGGTCGTGACATGGCGAGCACCACTCTGCCTGGTTACCCCCCTCACGTGCCCC[C>A]CACTGGCCAGGGAAGCTACCCCACCTCCACCCTGGCAGGAATGGTGCCTGGTAGGTGACA-3'
Protein context (NP_000269.3, residues 314-334): TLPGYPPHVP[Pro324His]TGQGSYPTST